The following is an entry in ClinVar:

ClinVar aggregate classification (germline): Conflicting classifications of pathogenicity. Review status: criteria provided, conflicting classifications (1 of 4 stars). 5 submissions from 5 submitters: Pathogenic (1); Likely pathogenic (1); Uncertain significance (3). Last evaluated 2024-12-13.

Conditions:
Cardiovascular phenotype. Identifiers: MedGen CN230736.
DES-related disorders.
Desmin-related myofibrillar myopathy (MFM1). Also called: Desminopathy; MYOFIBRILLAR MYOPATHY WITH ARRHYTHMOGENIC RIGHT VENTRICULAR CARDIOMYOPATHY; DESMIN-RELATED MYOPATHY WITH ARRHYTHMOGENIC RIGHT VENTRICULAR CARDIOMYOPATHY; Desmin related myopathy (former name); Desmin storage myopathy (former name); Myofibrillar myopathy 1. Identifiers: Orphanet 363543, Orphanet 98909, MedGen C1832370, MONDO:0011076, OMIM 601419.

Submissions (5):

Ambry Genetics
Classification: Uncertain significance for Cardiovascular phenotype. Last evaluated: 2024-12-13. Review status: criteria provided, single submitter. Criteria: Ambry Variant Classification Scheme 2023. Collection method: clinical testing. Allele origin: germline.
Comment: The c.735G>A variant (also known as p.E245E), located in coding exon 3 of the DES gene, results from a G to A substitution at nucleotide position 735. This nucleotide substitution does not change the glutamic acid at codon 245. However, this change occurs in the last base pair of coding exon 3, which makes it likely to have some effect on normal mRNA splicing. This nucleotide position is highly conserved in available vertebrate species. In silico splice site analysis predicts that this alteration may result in the creation or strengthening of a novel splice donor site. Based on the available evidence, the clinical significance of this variant remains unclear.

GeneDx
Classification: Uncertain significance. Last evaluated: 2024-05-07. Review status: criteria provided, single submitter. Criteria: GeneDx Variant Classification Process June 2021. Collection method: clinical testing. Allele origin: germline. Affected: yes.
Comment: Not observed at significant frequency in large population cohorts (gnomAD); In silico analysis suggests this variant may impact gene splicing. In the absence of RNA/functional studies, the actual effect of this sequence change is unknown.; Has not been previously published as pathogenic or benign to our knowledge

Blueprint Genetics
Classification: Likely pathogenic for DES-related disorders. Last evaluated: 2021-03-31. Review status: criteria provided, single submitter. Criteria: ACMG Guidelines, 2015. Collection method: clinical testing. Allele origin: germline. Affected: yes. Observed: 4 variant alleles.

Labcorp Genetics (formerly Invitae), Labcorp
Classification: Uncertain significance for Desmin-related myofibrillar myopathy. Last evaluated: 2020-07-09. Review status: criteria provided, single submitter. Criteria: Invitae Variant Classification Sherloc (09022015). Collection method: clinical testing. Allele origin: germline.
Comment: In summary, the available evidence is currently insufficient to determine the role of this variant in disease. Therefore, it has been classified as a Variant of Uncertain Significance. Nucleotide substitutions within the consensus splice site are a relatively common cause of aberrant splicing (PMID: 17576681, 9536098). Algorithms developed to predict the effect of sequence changes on RNA splicing suggest that this variant may disrupt the consensus splice site, but this prediction has not been confirmed by published transcriptional studies. This variant has not been reported in the literature in individuals with DES-related conditions. ClinVar contains an entry for this variant (Variation ID: 281234). This variant is not present in population databases (ExAC no frequency). This sequence change affects codon 245 of the DES mRNA. It is a 'silent' change, meaning that it does not change the encoded amino acid sequence of the DES protein. This variant also falls at the last nucleotide of exon 3 of the DES coding sequence, which is part of the consensus splice site for this exon.

Eurofins Ntd Llc (ga)
Classification: Pathogenic. Last evaluated: 2015-08-26. Review status: criteria provided, single submitter. Criteria: EGL Classification Definitions 2015. Collection method: clinical testing. Allele origin: germline. Observed: 1 variant allele, 1 heterozygote.

Literature cited by the submitters: PubMed 17576681 (cited by Labcorp Genetics (formerly Invitae), Labcorp); PubMed 9536098 (cited by Labcorp Genetics (formerly Invitae), Labcorp); PubMed 15759133 (cited by Eurofins Ntd Llc (ga)); PubMed 18765652 (cited by Eurofins Ntd Llc (ga)); PubMed 19105189 (cited by Eurofins Ntd Llc (ga)); PubMed 22153487 (cited by Eurofins Ntd Llc (ga)); I:\T\Sequencing\Sequencing Mutation Database\DES\c.735GA (p.E245E).docx (cited by Eurofins Ntd Llc (ga)).

NM_001927.4(DES):c.735G>A (p.Glu245=)

Gene: DES (desmin; plus strand). Cytogenetic location: 2q35.
Variant type: single nucleotide variant.
Coding change: c.735G>A on transcript NM_001927.4 (MANE Select); coding-DNA position 735, G replaced by A.
Protein change: p.Glu245=; no amino-acid change (glutamic acid 245 retained).
Molecular consequence: synonymous variant.
Genome position (GRCh38, 1-based): chr2:219,420,346, G>A. VCF-style: chr2-219420346-G-A. GRCh37 (hg19) VCF-style: chr2-220285068-G-A.
Other names: c.735G>A (LRG_380t1).
Identifiers: ClinVar variation 281234 (VCV000281234.16), dbSNP rs267607486, ClinGen allele CA10603828.